The following is an entry in ClinVar:

NM_001363711.2(DUOX2):c.2335-3C>T

Gene: DUOX2 (dual oxidase 2; minus strand). Cytogenetic location: 15q21.1.
Variant type: single nucleotide variant.
Coding change: c.2335-3C>T on transcript NM_001363711.2 (MANE Select); 3 bases into the intron before coding-DNA position 2335, C replaced by T.
Molecular consequence: intron variant.
Genome position (GRCh38, 1-based): chr15:45,104,368, G>A on the plus strand (C>T on the coding strand, the complement: DUOX2 is on the minus strand). VCF-style: chr15-45104368-G-A. GRCh37 (hg19) VCF-style: chr15-45396566-G-A.
Other names: c.2335-3C>T (NM_014080.5).
Identifiers: ClinVar variation 316167 (VCV000316167.12), dbSNP rs369394906, ClinGen allele CA7538279.
Genomic context (GRCh38, chr15:45,104,368, plus strand): 5'-CCTTCTGGGAGGAGTCCAGGGGCAGGGTCCCTGCGTCGGCCTGGTTGATGTCCAGCACCT[G>A]CACTCGGGCAGCAGCAGAGGGAGGGAAAGAGAAGGAGGTGAAGCCTATGCTGGAAGCAGT-3'

ClinVar aggregate classification (germline): Conflicting classifications of pathogenicity. Review status: criteria provided, conflicting classifications (1 of 4 stars). 3 submissions from 3 submitters: Uncertain significance (1); Likely benign (2). Last evaluated 2025-12-28.

Conditions:
Thyroid dyshormonogenesis 6 (TDH6). Also called: THYROID HORMONOGENESIS, GENETIC DEFECT IN, 6; Genetic transient congenital hypothyroidism; HYPOTHYROIDISM, CONGENITAL, DUE TO DYSHORMONOGENESIS, 6. Identifiers: Orphanet 226316, Orphanet 95716, MedGen C1846632, MONDO:0011792, OMIM 607200.

Allele frequency attached by ClinVar (database versions not stated): ExAC 0.00013; gnomAD 0.00015 and 0.00017; TOPMed 0.00016; gnomAD exomes 0.00017; ESP Exome Variant Server 0.00023.
gnomAD v4.1: 182 of 1,613,038 alleles (0.011%); highest among the groups gnomAD compares: Admixed American, 0.045%; 1 homozygote.

Submissions (3):

Labcorp Genetics (formerly Invitae), Labcorp
Classification: Likely benign. Last evaluated: 2025-12-28. Review status: criteria provided, single submitter. Criteria: Invitae Variant Classification Sherloc (09022015). Collection method: clinical testing. Allele origin: germline.

Illumina Laboratory Services, Illumina
Classification: Uncertain significance for Thyroid dyshormonogenesis 6. Last evaluated: 2018-01-12. Review status: criteria provided, single submitter. Criteria: ICSL Variant Classification Criteria 13 December 2019. Collection method: clinical testing. Allele origin: germline.

GeneDx
Classification: Likely benign. Last evaluated: 2015-11-03. Review status: criteria provided, single submitter. Criteria: GeneDx Variant Classification (06012015). Collection method: clinical testing. Allele origin: germline. Affected: yes.
Comment: This variant is considered likely benign or benign based on one or more of the following criteria: it is a conservative change, it occurs at a poorly conserved position in the protein, it is predicted to be benign by multiple in silico algorithms, and/or has population frequency not consistent with disease.